The following is an entry in ClinVar:

NM_000217.3(KCNA1):c.913C>T (p.Leu305Phe)

Gene: KCNA1 (potassium voltage-gated channel subfamily A member 1; plus strand). Cytogenetic location: 12p13.32.
Variant type: single nucleotide variant.
Coding change: c.913C>T on transcript NM_000217.3 (MANE Select); coding-DNA position 913, C replaced by T.
Protein change: p.Leu305Phe; replaces leucine 305 with phenylalanine.
Molecular consequence: missense variant.
Genome position (GRCh38, 1-based): chr12:4,912,291, C>T. VCF-style: chr12-4912291-C-T. GRCh37 (hg19) VCF-style: chr12-5021457-C-T.
Other names: short protein forms L305F.
Identifiers: ClinVar variation 447614 (VCV000447614.3), dbSNP rs1555085761, ClinGen allele CA383455619.
Genomic context (GRCh38, chr12:4,912,291, plus strand): 5'-GCCACCTCCCTGGCCATCCTCAGGGTCATCCGCTTGGTAAGGGTTTTTAGAATCTTCAAG[C>T]TCTCCCGCCACTCTAAGGGCCTCCAGATCCTGGGCCAGACCCTCAAAGCTAGTATGAGAG-3'
Protein context (NP_000208.2, residues 295-315): RLVRVFRIFK[Leu305Phe]SRHSKGLQIL

ClinVar aggregate classification (germline): Likely pathogenic. Review status: criteria provided, multiple submitters, no conflicts (2 of 4 stars). 3 submissions from 3 submitters: Likely pathogenic (3). Last evaluated 2025-07-28.

Conditions:
Episodic ataxia type 1 (EA1). Also called: MYOKYMIA WITH PERIODIC ATAXIA; PAROXYSMAL ATAXIA WITH NEUROMYOTONIA, HEREDITARY; Episodic ataxia/myokymia syndrome; ATAXIA, EPISODIC, WITH MYOKYMIA. Identifiers: Orphanet 37612, Orphanet 972, MedGen C1719788, MONDO:0008047, OMIM 160120.

Submissions (3):

Women's Health and Genetics/Laboratory Corporation of America, LabCorp
Classification: Likely pathogenic for Episodic ataxia type 1. Last evaluated: 2025-07-28. Review status: criteria provided, single submitter. Criteria: LabCorp Variant Classification Summary - May 2015. Collection method: clinical testing. Allele origin: germline.
Comment: Variant summary: KCNA1 c.913C>T (p.Leu305Phe) results in a non-conservative amino acid change in the encoded protein sequence. Algorithms developed to predict the effect of missense changes on protein structure and function all suggest that this variant is likely to be disruptive. The variant was absent in 251042 control chromosomes. c.913C>T has been observed in individual(s) affected with Episodic Ataxia Type 1, including multiple affected members of a single family (e.g. Poujois_2006, Kim_2022). These data indicate that the variant is likely to be associated with disease. To our knowledge, no experimental evidence demonstrating an impact on protein function has been reported. The following publications have been ascertained in the context of this evaluation (PMID: 35719373, 16511644). ClinVar contains an entry for this variant (Variation ID: 447614). Based on the evidence outlined above, the variant was classified as likely pathogenic.

3billion
Classification: Likely pathogenic for Episodic ataxia type 1. Last evaluated: 2021-10-02. Review status: criteria provided, single submitter. Criteria: ACMG Guidelines, 2015. Collection method: clinical testing. Allele origin: maternal. Affected: yes. Observed: 1 heterozygote.
Comment: The variant has been reported to co-segregate with the disease in at least 3 similarly affected relatives/individuals in the same family or similarly affected unrelated families (PMID: 16511644, PP1). It is not observed in the gnomAD v2.1.1 dataset (PM2). Missense changes are a common disease-causing mechanism (PP2). In silico tool predictions suggest damaging effect of the variant on gene or gene product (REVEL: 0.928, 3Cnet: 0.987, PP3). Therefore, this variant is classified as likely pathogenic according to the recommendation of ACMG/AMP guideline.

Athena Diagnostics
Classification: Likely pathogenic. Last evaluated: 2016-11-16. Review status: criteria provided, single submitter. Criteria: Athena Diagnostics Criteria. Collection method: clinical testing. Allele origin: germline.

Literature cited by the submitters: PubMed 35719373 (cited by Women's Health and Genetics/Laboratory Corporation of America, LabCorp); PubMed 16511644 (cited by 3 submitters).